The following is an entry in ClinVar:

NM_020655.4(JPH3):c.903C>A (p.Gly301=)

Gene: JPH3 (junctophilin 3; plus strand). Cytogenetic location: 16q24.2.
Variant type: single nucleotide variant.
Coding change: c.903C>A on transcript NM_020655.4 (MANE Select); coding-DNA position 903, C replaced by A.
Protein change: p.Gly301=; no amino-acid change (glycine 301 retained).
Molecular consequence: synonymous variant. On other transcripts: non-coding transcript variant (1).
Genome position (GRCh38, 1-based): chr16:87,644,778, C>A. VCF-style: chr16-87644778-C-A. GRCh37 (hg19) VCF-style: chr16-87678384-C-A.
Identifiers: ClinVar variation 2646961 (VCV002646961.24), dbSNP rs142274475, ClinGen allele CA8220891.
Genomic context (GRCh38, chr16:87,644,778, plus strand): 5'-CGCCACCACCACCGAGACCTACGTGGGCGAGTGGAAGAACGACAAACGCTCCGGCTTCGG[C>A]GTGAGCCAGCGCTCGGACGGGCTCAAGTACGAGGGCGAGTGGGCCAGCAACCGGCGCCAT-3'
Protein context (NP_065706.2, residues 291-311): EWKNDKRSGF[Gly301=]VSQRSDGLKY

ClinVar aggregate classification (germline): Likely benign (1 of 4 stars; one submission).

Allele frequency attached by ClinVar (database versions not stated): ESP Exome Variant Server 0.00115.
gnomAD v4.1: 1,866 of 1,613,266 alleles (0.12%); highest among the groups gnomAD compares: Non-Finnish European, 0.14%; 17 homozygotes.

Submission:

CeGaT Center for Human Genetics Tuebingen
Classification: Likely benign. Last evaluated: 2024-10-01. Review status: criteria provided, single submitter. Criteria: CeGaT Center For Human Genetics Tuebingen Variant Classification Criteria Version 2. Collection method: clinical testing. Allele origin: germline. Affected: yes. Observed: 3 variant alleles.
Comment: JPH3: BP4, BP7, BS2